The following is an entry in ClinVar:

NM_000090.4(COL3A1):c.1594G>A (p.Gly532Ser)

Gene: COL3A1 (collagen type III alpha 1 chain; plus strand). Cytogenetic location: 2q32.2.
Variant type: single nucleotide variant.
Coding change: c.1594G>A on transcript NM_000090.4 (MANE Select); coding-DNA position 1594, G replaced by A.
Protein change: p.Gly532Ser; replaces glycine 532 with serine.
Molecular consequence: missense variant.
Genome position (GRCh38, 1-based): chr2:188,995,776, G>A. VCF-style: chr2-188995776-G-A. GRCh37 (hg19) VCF-style: chr2-189860502-G-A.
Other names: short protein forms G532S.
Identifiers: ClinVar variation 571343 (VCV000571343.10), dbSNP rs138166497, ClinGen allele CA074481.

ClinVar aggregate classification (germline): Uncertain significance. Review status: criteria provided, multiple submitters, no conflicts (2 of 4 stars). 2 submissions from 2 submitters: Uncertain significance (2). Last evaluated 2024-05-08.

Conditions:
Ehlers-Danlos syndrome, type 4 (EDSVASC). Also called: Ehlers-Danlos syndrome vascular type; Ehlers Danlos syndrome, ecchymotic type; Ehlers Danlos syndrome, arterial type; Ehlers Danlos syndrome, Sack-Barabas type; Ehlers-Danlos Syndrome Type IV. Identifiers: Orphanet 286, MedGen C0268338, MONDO:0017314, OMIM 130050.
Polymicrogyria with or without vascular-type Ehlers-Danlos syndrome. Identifiers: Orphanet 636941, MedGen C5193040, MONDO:0032688, OMIM 618343.

Allele frequency attached by ClinVar (database versions not stated): gnomAD exomes below 0.00001 and 0.00001; gnomAD 0.00001; TOPMed 0.00001; ExAC 0.00004; ESP Exome Variant Server 0.00008.
gnomAD v4.1: 6 of 1,561,414 alleles (0.00038%); highest among the groups gnomAD compares: Non-Finnish European, 0.00052%; no homozygotes.

Submissions (2):

Labcorp Genetics (formerly Invitae), Labcorp
Classification: Uncertain significance for Ehlers-Danlos syndrome, type 4. Last evaluated: 2024-05-08. Review status: criteria provided, single submitter. Criteria: Invitae Variant Classification Sherloc (09022015). Collection method: clinical testing. Allele origin: germline.
Comment: This sequence change replaces glycine, which is neutral and non-polar, with serine, which is neutral and polar, at codon 532 of the COL3A1 protein (p.Gly532Ser). The frequency data for this variant in the population databases is considered unreliable, as metrics indicate poor data quality at this position in the gnomAD database. This variant has not been reported in the literature in individuals affected with COL3A1-related conditions. ClinVar contains an entry for this variant (Variation ID: 571343). Advanced modeling of protein sequence and biophysical properties (such as structural, functional, and spatial information, amino acid conservation, physicochemical variation, residue mobility, and thermodynamic stability) performed at Invitae indicates that this missense variant is not expected to disrupt COL3A1 protein function with a negative predictive value of 95%. In summary, the available evidence is currently insufficient to determine the role of this variant in disease. Therefore, it has been classified as a Variant of Uncertain Significance.

Fulgent Genetics
Classification: Uncertain significance for Ehlers-Danlos syndrome, type 4; Polymicrogyria with or without vascular-type Ehlers-Danlos syndrome. Last evaluated: 2021-12-20. Review status: criteria provided, single submitter. Criteria: ACMG Guidelines, 2015. Collection method: clinical testing. Allele origin: unknown.